The following is an entry in ClinVar:

NM_003872.3(NRP2):c.1641+35C>A

Gene: NRP2 (neuropilin 2; plus strand). Cytogenetic location: 2q33.3.
Variant type: single nucleotide variant.
Coding change: c.1641+35C>A on transcript NM_003872.3 (MANE Select); 35 bases into the intron after coding-DNA position 1641, C replaced by A.
Molecular consequence: intron variant. On other transcripts: 3 prime UTR variant (1).
Genome position (GRCh38, 1-based): chr2:205,743,587, C>A. VCF-style: chr2-205743587-C-A. GRCh37 (hg19) VCF-style: chr2-206608311-C-A.
Other names: c.*8C>A (NM_201264.2); c.1641+35C>A (NM_201266.2, NM_201279.2, NM_018534.4 and 1 more transcripts).
Identifiers: ClinVar variation 4978553 (VCV004978553.1).
Genomic context (GRCh38, chr2:205,743,587, plus strand): 5'-AGGACCCCAGGACCCAGCAGCCAAAGGTAGGCTGTTCTTGGAGGCCTCTGTAACGTTACC[C>A]TCAACAGGGAGGCTAAGTGTGGTACAGGGAGTTGAGACTGATGATGTCCCATCTAAACAG-3'

ClinVar aggregate classification (germline): Likely benign (1 of 4 stars; one submission).

Conditions:
NRP2-related disorder. Also called: NRP2-related condition.

gnomAD v4.1: 2 of 1,610,018 alleles (0.00012%); highest among the groups gnomAD compares: Admixed American, 0.0034%; no homozygotes.

Submission:

PreventionGenetics, part of Exact Sciences
Classification: Likely benign for NRP2-related condition. Last evaluated: 2026-03-10. Review status: criteria provided, single submitter. Criteria: ACMG Guidelines, 2015. Collection method: clinical testing. Allele origin: germline.
Comment: This variant is classified as likely benign based on ACMG/AMP sequence variant interpretation guidelines (Richards et al. 2015 PMID: 25741868, with internal and published modifications).